The following is an entry in ClinVar:

NM_001267550.2(TTN):c.51249C>A (p.Val17083=)

Genes: TTN (titin; minus strand), TTN-AS1 (TTN antisense RNA 1; plus strand). Cytogenetic location: 2q31.2.
Variant type: single nucleotide variant.
Coding change: c.51249C>A on transcript NM_001267550.2 (MANE Select); coding-DNA position 51249, C replaced by A.
Protein change: p.Val17083=; no amino-acid change (valine 17083 retained).
Molecular consequence: synonymous variant.
Genome position (GRCh38, 1-based): chr2:178,610,277, G>T on the plus strand (C>A on the coding strand, the complement: TTN is on the minus strand). VCF-style: chr2-178610277-G-T. GRCh37 (hg19) VCF-style: chr2-179475004-G-T.
Other names: c.46326C>A, p.Val15442= (NM_001256850.1); c.24054C>A, p.Val8018= (NM_003319.4); c.43545C>A, p.Val14515= (NM_133378.4); c.24429C>A, p.Val8143= (NM_133432.3); c.24630C>A, p.Val8210= (NM_133437.4).
Identifiers: ClinVar variation 467233 (VCV000467233.23), dbSNP rs377342233, ClinGen allele CA1994228.

ClinVar aggregate classification (germline): Conflicting classifications of pathogenicity. Review status: criteria provided, conflicting classifications (1 of 4 stars). 7 submissions from 7 submitters: Uncertain significance (1); Likely benign (4). 2 of the submissions do not count toward it. Last evaluated 2026-07-14.

Conditions:
Autosomal recessive limb-girdle muscular dystrophy type 2J (LGMDR10). Also called: Limb-girdle muscular dystrophy, type 2J; MUSCULAR DYSTROPHY, LIMB-GIRDLE, AUTOSOMAL RECESSIVE 10. Identifiers: Orphanet 140922, MedGen C1837342, MONDO:0012127, OMIM 608807.
Dilated cardiomyopathy 1G (CMD1G). Identifiers: Orphanet 154, MedGen C1858763, MONDO:0011400, OMIM 604145.
TTN-related disorder. Also called: TTN-related condition; TTN-related disease; TTN-related disorders.
Cardiovascular phenotype. Identifiers: MedGen CN230736.

Allele frequency attached by ClinVar (database versions not stated): TOPMed 0.00003; gnomAD 0.00004; ESP Exome Variant Server 0.00008; gnomAD exomes 0.00009 and 0.00015; ExAC 0.00030.
gnomAD v4.1: 152 of 1,612,786 alleles (0.0094%); highest among the groups gnomAD compares: Middle Eastern, 0.016%; 1 homozygote.

Submissions (7):

PreventionGenetics, part of Exact Sciences
Classification: Likely benign for TTN-related condition. Last evaluated: 2026-07-14. Review status: criteria provided, single submitter. Criteria: ACMG Guidelines, 2015. Collection method: clinical testing. Allele origin: germline.
Comment: This variant is classified as likely benign based on ACMG/AMP sequence variant interpretation guidelines (Richards et al. 2015 PMID: 25741868, with internal and published modifications).

Labcorp Genetics (formerly Invitae), Labcorp
Classification: Likely benign for Dilated cardiomyopathy 1G; Autosomal recessive limb-girdle muscular dystrophy type 2J. Last evaluated: 2025-12-13. Review status: criteria provided, single submitter. Criteria: Invitae Variant Classification Sherloc (09022015). Collection method: clinical testing. Allele origin: germline.

Blueprint Genetics
Classification: Likely benign. Last evaluated: 2024-09-12. Review status: criteria provided, single submitter. Criteria: ACMG Guidelines, 2015. Collection method: clinical testing. Allele origin: germline.

Ambry Genetics
Classification: Likely benign for Cardiovascular phenotype. Last evaluated: 2019-11-13. Review status: criteria provided, single submitter. Criteria: Ambry Variant Classification Scheme 2023. Collection method: clinical testing. Allele origin: germline.

Eurofins Ntd Llc (ga)
Classification: Uncertain significance. Last evaluated: 2018-02-11. Review status: criteria provided, single submitter. Criteria: EGL ClinVar v180209 classification definitions. Collection method: clinical testing. Allele origin: germline. Observed: 3 variant alleles, 3 heterozygotes.

Diagnostic Laboratory, Department of Genetics, University Medical Center Groningen
Classification: Likely benign. Review status: no assertion criteria provided. Collection method: clinical testing. Allele origin: germline. Affected: yes. Study: VKGL Data-share Consensus. Not counted in ClinVar's aggregate classification.

Laboratory of Diagnostic Genome Analysis, Leiden University Medical Center (LUMC)
Classification: Likely benign. Review status: no assertion criteria provided. Collection method: clinical testing. Allele origin: germline. Affected: yes. Study: VKGL Data-share Consensus. Not counted in ClinVar's aggregate classification.